The following is an entry in ClinVar:

NM_002506.3(NGF):c.665T>G (p.Phe222Cys)

Genes: NGF (nerve growth factor; minus strand), NGF-AS1 (NGF antisense RNA 1; plus strand). Cytogenetic location: 1p13.2.
Variant type: single nucleotide variant.
Coding change: c.665T>G on transcript NM_002506.3 (MANE Select); coding-DNA position 665, T replaced by G.
Protein change: p.Phe222Cys; replaces phenylalanine 222 with cysteine.
Molecular consequence: missense variant.
Genome position (GRCh38, 1-based): chr1:115,286,131, A>C on the plus strand (T>G on the coding strand, the complement: NGF is on the minus strand). VCF-style: chr1-115286131-A-C. GRCh37 (hg19) VCF-style: chr1-115828752-A-C.
Other names: short protein forms F222C.
Identifiers: ClinVar variation 392084 (VCV000392084.2), dbSNP rs1057524350, ClinGen allele CA16603397.

ClinVar aggregate classification (germline): Uncertain significance (1 of 4 stars; one submission).

Submission:

GeneDx
Classification: Uncertain significance. Last evaluated: 2016-12-22. Review status: criteria provided, single submitter. Criteria: GeneDx Variant Classification (06012015). Collection method: clinical testing. Allele origin: germline. Affected: yes.
Comment: A variant of uncertain significance has been identified in the NGF gene. The F222C variant has not been published as a pathogenic variant, nor has it been reported as a benign variant to our knowledge. The F222C variant is not observed in large population cohorts (Lek et al., 2016; 1000 Genomes Consortium et al., 2015; Exome Variant Server). The F222C variant is a non-conservative amino acid substitution, which is likely to impact secondary protein structure as these residues differ in polarity, charge, size and/or other properties. This substitution occurs at a position that is conserved in mammals and in silico analysis predicts this variant is probably damaging to the protein structure/function. However, based on the currently available information, it is unclear whether this variant is a pathogenic variant or a rare benign variant.